The following is an entry in ClinVar:

ClinVar aggregate classification (germline): Uncertain significance (1 of 4 stars; one submission).

Conditions:
Hereditary cancer-predisposing syndrome. Also called: Tumor predisposition; Neoplastic Syndromes, Hereditary; Hereditary Cancer Syndrome; Hereditary neoplastic syndrome. Identifiers: Orphanet 140162, MedGen C0027672, MeSH D009386, MONDO:0015356.

Submission:

Ambry Genetics
Classification: Uncertain significance for Hereditary cancer-predisposing syndrome. Last evaluated: 2024-09-30. Review status: criteria provided, single submitter. Criteria: Ambry Variant Classification Scheme 2023. Collection method: clinical testing. Allele origin: germline.
Comment: The p.T491I variant (also known as c.1472C>T), located in coding exon 10 of the FLCN gene, results from a C to T substitution at nucleotide position 1472. The threonine at codon 491 is replaced by isoleucine, an amino acid with similar properties. This amino acid position is conserved. In addition, the in silico prediction for this alteration is inconclusive. Based on the available evidence, the clinical significance of this variant remains unclear.

NM_144997.7(FLCN):c.1472C>T (p.Thr491Ile)

Gene: FLCN (folliculin; minus strand). Cytogenetic location: 17p11.2.
Variant type: single nucleotide variant.
Coding change: c.1472C>T on transcript NM_144997.7 (MANE Select); coding-DNA position 1472, C replaced by T.
Protein change: p.Thr491Ile; replaces threonine 491 with isoleucine.
Molecular consequence: missense variant.
Genome position (GRCh38, 1-based): chr17:17,215,051, G>A on the plus strand (C>T on the coding strand, the complement: FLCN is on the minus strand). VCF-style: chr17-17215051-G-A. GRCh37 (hg19) VCF-style: chr17-17118365-G-A.
Other names: c.1526C>T, p.Thr509Ile (NM_001353229.2); c.1472C>T, p.Thr491Ile (NM_001353230.2, NM_001353231.2); short protein forms T509I, T491I.
Identifiers: ClinVar variation 3515651 (VCV003515651.1).